The following is an entry in ClinVar:

NM_024685.4(BBS10):c.284G>C (p.Arg95Thr)

Gene: BBS10 (Bardet-Biedl syndrome 10; minus strand). Cytogenetic location: 12q21.2.
Variant type: single nucleotide variant.
Coding change: c.284G>C on transcript NM_024685.4 (MANE Select); coding-DNA position 284, G replaced by C.
Protein change: p.Arg95Thr; replaces arginine 95 with threonine.
Molecular consequence: missense variant.
Genome position (GRCh38, 1-based): chr12:76,347,701, C>G on the plus strand (G>C on the coding strand, the complement: BBS10 is on the minus strand). VCF-style: chr12-76347701-C-G. GRCh37 (hg19) VCF-style: chr12-76741481-C-G.
Other names: short protein forms R95T.
Identifiers: ClinVar variation 2802252 (VCV002802252.3), dbSNP rs2540957196, ClinGen allele CA385815841.

ClinVar aggregate classification (germline): Uncertain significance (1 of 4 stars; one submission).

Conditions:
Bardet-Biedl syndrome (BBS). Identifiers: Orphanet 110, MedGen C0752166, MONDO:0015229.

Submission:

Labcorp Genetics (formerly Invitae), Labcorp
Classification: Uncertain significance for Bardet-Biedl syndrome. Last evaluated: 2022-10-27. Review status: criteria provided, single submitter. Criteria: Invitae Variant Classification Sherloc (09022015). Collection method: clinical testing. Allele origin: germline.
Comment: This sequence change replaces arginine, which is basic and polar, with threonine, which is neutral and polar, at codon 95 of the BBS10 protein (p.Arg95Thr). This variant is not present in population databases (gnomAD no frequency). This variant has not been reported in the literature in individuals affected with BBS10-related conditions. Advanced modeling of protein sequence and biophysical properties (such as structural, functional, and spatial information, amino acid conservation, physicochemical variation, residue mobility, and thermodynamic stability) performed at Invitae indicates that this missense variant is expected to disrupt BBS10 protein function. Algorithms developed to predict the effect of sequence changes on RNA splicing suggest that this variant may disrupt the consensus splice site. In summary, the available evidence is currently insufficient to determine the role of this variant in disease. Therefore, it has been classified as a Variant of Uncertain Significance.